The following is an entry in ClinVar:

ClinVar aggregate classification (germline): Uncertain significance (1 of 4 stars; one submission).

Submission:

Labcorp Genetics (formerly Invitae), Labcorp
Classification: Uncertain significance. Last evaluated: 2024-10-25. Review status: criteria provided, single submitter. Criteria: Invitae Variant Classification Sherloc (09022015). Collection method: clinical testing. Allele origin: germline.
Comment: This sequence change replaces threonine, which is neutral and polar, with isoleucine, which is neutral and non-polar, at codon 138 of the NDUFV2 protein (p.Thr138Ile). This variant is not present in population databases (gnomAD no frequency). This variant has not been reported in the literature in individuals affected with NDUFV2-related conditions. ClinVar contains an entry for this variant (Variation ID: 1482652). Invitae Evidence Modeling of protein sequence and biophysical properties (such as structural, functional, and spatial information, amino acid conservation, physicochemical variation, residue mobility, and thermodynamic stability) has been performed for this missense variant. However, the output from this modeling did not meet the statistical confidence thresholds required to predict the impact of this variant on NDUFV2 protein function. In summary, the available evidence is currently insufficient to determine the role of this variant in disease. Therefore, it has been classified as a Variant of Uncertain Significance.

NM_021074.5(NDUFV2):c.413C>T (p.Thr138Ile)

Genes: NDUFV2 (NADH:ubiquinone oxidoreductase core subunit V2; plus strand), NDUFV2-AS1 (NDUFV2 antisense RNA 1; minus strand). Cytogenetic location: 18p11.22.
Variant type: single nucleotide variant.
Coding change: c.413C>T on transcript NM_021074.5 (MANE Select); coding-DNA position 413, C replaced by T.
Protein change: p.Thr138Ile; replaces threonine 138 with isoleucine.
Molecular consequence: missense variant.
Genome position (GRCh38, 1-based): chr18:9,122,625, C>T. VCF-style: chr18-9122625-C-T. GRCh37 (hg19) VCF-style: chr18-9122623-C-T.
Other names: short protein forms T138I.
Identifiers: ClinVar variation 1482652 (VCV001482652.6), dbSNP rs2144747421, ClinGen allele CA402024423.